The following is an entry in ClinVar:

NM_000321.3(RB1):c.749C>G (p.Pro250Arg)

Gene: RB1 (RB transcriptional corepressor 1; plus strand). Cytogenetic location: 13q14.2.
Variant type: single nucleotide variant.
Coding change: c.749C>G on transcript NM_000321.3 (MANE Select); coding-DNA position 749, C replaced by G.
Protein change: p.Pro250Arg; replaces proline 250 with arginine.
Molecular consequence: missense variant.
Genome position (GRCh38, 1-based): chr13:48,362,845, C>G. VCF-style: chr13-48362845-C-G. GRCh37 (hg19) VCF-style: chr13-48936981-C-G.
Other names: short protein forms P250R.
Identifiers: ClinVar variation 1037503 (VCV001037503.8), dbSNP rs1952655335, ClinGen allele CA388159317.

ClinVar aggregate classification (germline): Uncertain significance (1 of 4 stars; one submission).

Conditions:
Retinoblastoma (RB1). Also called: RETINOBLASTOMA, SOMATIC. Identifiers: Orphanet 790, MedGen C0035335, MeSH D012175, MONDO:0008380, OMIM 180200, HP:0009919. Disease mechanism: loss of function. Inheritance: Both sporadic and heritable forms are tested..

Allele frequency attached by ClinVar (database versions not stated): gnomAD exomes below 0.00001.
gnomAD v4.1: 1 of 1,613,778 alleles (0.000062%); highest among the groups gnomAD compares: East Asian, 0.0022%; no homozygotes.

Submission:

Labcorp Genetics (formerly Invitae), Labcorp
Classification: Uncertain significance for Retinoblastoma. Last evaluated: 2020-06-21. Review status: criteria provided, single submitter. Criteria: Invitae Variant Classification Sherloc (09022015). Collection method: clinical testing. Allele origin: germline.
Comment: This sequence change replaces proline with arginine at codon 250 of the RB1 protein (p.Pro250Arg). The proline residue is moderately conserved and there is a moderate physicochemical difference between proline and arginine. This variant is not present in population databases (ExAC no frequency). This variant has not been reported in the literature in individuals with RB1-related conditions. Algorithms developed to predict the effect of missense changes on protein structure and function are either unavailable or do not agree on the potential impact of this missense change (SIFT: "Tolerated"; PolyPhen-2: "Benign"; Align-GVGD: "Class C15"). In summary, the available evidence is currently insufficient to determine the role of this variant in disease. Therefore, it has been classified as a Variant of Uncertain Significance.